The following is an entry in ClinVar:

ClinVar aggregate classification (germline): Likely pathogenic (1 of 4 stars; one submission).

Conditions:
GLUT1 deficiency syndrome. Also called: Glucose transporter type 1 deficiency syndrome; GLUT1 DS. Identifiers: MedGen C1847501, MONDO:0000188.

Submission:

Victorian Clinical Genetics Services, Murdoch Childrens Research Institute
Classification: Likely pathogenic for GLUT1 deficiency syndrome. Last evaluated: 2023-07-17. Review status: criteria provided, single submitter. Criteria: ACMG Guidelines, 2015. Collection method: clinical testing. Allele origin: germline. Inheritance: Autosomal dominant inheritance.
Comment: Based on the classification scheme VCGS_Germline_v1.3.4, this variant is classified as Likely pathogenic. Following criteria are met: 0102 - Loss of function is a known mechanism of disease in this gene and is associated with SLC2A1-related disorders (MIM# 614847, 601042, 606777, 612126). (I) 0107 - This gene is associated with autosomal dominant disease. Autosomal dominant is the most common mode of inheritance with rare reports of autosomal recessive inheritance (PMID: 31196579). (I) 0112 - The condition associated with this gene has incomplete penetrance. Incomplete penetrance has been reported in families with GLUT1 deficiency syndrome or epilepsy, who were heterozygous for pathogenic missense variants (OMIM, PMID:18451999). (I) 0115 - Variants in this gene are known to have variable expressivity (PMID: 20129935). (I) 0200 - Variant is predicted to result in a missense amino acid change from glutamic acid to valine. (I) 0251 - This variant is heterozygous. (I) 0301 - Variant is absent from gnomAD (both v2 and v3). (SP) 0501 - Missense variant consistently predicted to be damaging by multiple in silico tools or highly conserved with a major amino acid change. (SP) 0600 - Variant is located in the annotated cytoplasmic region between subunit 6 and 7 of the Class 1 Glucose transporter (PMID:30076047). (I) 0705 - No comparable missense variants have previous evidence for pathogenicity. (I) 0807 - This variant has no previous evidence of pathogenicity in unrelated individuals. This variant has previously been reported in the proband of this family (PMID: 23280796). (I) 1002 - This variant has moderate functional evidence supporting abnormal protein function. Expression of this variant in Xenopus oocytes showed a marked reduction in glucose transport (PMID: 23280796). (SP) 1204 - This variant has been shown to be de novo in the proband (parental status not tested but assumed) (PMID: 23280796). (SP)

Literature cited by the submitters: PubMed 18451999; PubMed 20129935; PubMed 23280796; PubMed 30076047; PubMed 31196579.

NM_006516.4(SLC2A1):c.728A>T (p.Glu243Val)

Gene: SLC2A1 (solute carrier family 2 member 1; minus strand). Cytogenetic location: 1p34.2.
Variant type: single nucleotide variant.
Coding change: c.728A>T on transcript NM_006516.4 (MANE Select); coding-DNA position 728, A replaced by T.
Protein change: p.Glu243Val; replaces glutamic acid 243 with valine.
Molecular consequence: missense variant.
Genome position (GRCh38, 1-based): chr1:42,929,732, T>A on the plus strand (A>T on the coding strand, the complement: SLC2A1 is on the minus strand). VCF-style: chr1-42929732-T-A. GRCh37 (hg19) VCF-style: chr1-43395403-T-A.
Other names: short protein forms E243V.
Identifiers: ClinVar variation 1699355 (VCV001699355.3), dbSNP rs2124449030, ClinGen allele CA339958092.